The following is an entry in ClinVar:

ClinVar aggregate classification (germline): Uncertain significance (1 of 4 stars; one submission).

Submission:

GeneDx
Classification: Uncertain significance. Last evaluated: 2026-03-23. Review status: criteria provided, single submitter. Criteria: GeneDx Variant Classification Process June 2021. Collection method: clinical testing. Allele origin: germline.
Comment: Not observed at significant frequency in large population cohorts (gnomAD); In silico analysis suggests that this missense variant does not alter protein structure/function; Has not been previously published as pathogenic or benign to our knowledge

NM_001162501.2(TNRC6B):c.4618C>G (p.Pro1540Ala)

Gene: TNRC6B (trinucleotide repeat containing adaptor 6B; plus strand). Cytogenetic location: 22q13.1.
Variant type: single nucleotide variant.
Coding change: c.4618C>G on transcript NM_001162501.2 (MANE Select); coding-DNA position 4618, C replaced by G.
Protein change: p.Pro1540Ala; replaces proline 1540 with alanine.
Molecular consequence: missense variant.
Genome position (GRCh38, 1-based): chr22:40,312,937, C>G. VCF-style: chr22-40312937-C-G. GRCh37 (hg19) VCF-style: chr22-40708941-C-G.
Other names: c.2206C>G, p.Pro736Ala (NM_001024843.2); c.4288C>G, p.Pro1430Ala (NM_015088.3); short protein forms P1430A, P1540A, P736A.
Identifiers: ClinVar variation 5016977 (VCV005016977.1).